The following is an entry in ClinVar:

ClinVar aggregate classification (germline): Uncertain significance (1 of 4 stars; one submission).

Allele frequency attached by ClinVar (database versions not stated): gnomAD exomes below 0.00001.
gnomAD v4.1: 5 of 1,610,636 alleles (0.00031%); highest among the groups gnomAD compares: East Asian, 0.0022%; no homozygotes.

Submission:

GeneDx
Classification: Uncertain significance. Last evaluated: 2026-01-23. Review status: criteria provided, single submitter. Criteria: GeneDx Variant Classification Process June 2021. Collection method: clinical testing. Allele origin: germline. Affected: yes.
Comment: Not observed at significant frequency in large population cohorts (gnomAD); In silico analysis suggests that this missense variant does not alter protein structure/function; Has not been previously published as pathogenic or benign to our knowledge

NM_004667.6(HERC2):c.4661G>A (p.Arg1554Gln)

Gene: HERC2 (HECT and RLD domain containing E3 ubiquitin protein ligase 2; minus strand). Cytogenetic location: 15q13.1.
Variant type: single nucleotide variant.
Coding change: c.4661G>A on transcript NM_004667.6 (MANE Select); coding-DNA position 4661, G replaced by A.
Protein change: p.Arg1554Gln; replaces arginine 1554 with glutamine.
Molecular consequence: missense variant.
Genome position (GRCh38, 1-based): chr15:28,233,160, C>T on the plus strand (G>A on the coding strand, the complement: HERC2 is on the minus strand). VCF-style: chr15-28233160-C-T. GRCh37 (hg19) VCF-style: chr15-28478306-C-T.
Other names: short protein forms R1554Q.
Identifiers: ClinVar variation 1341639 (VCV001341639.3), dbSNP rs2525982, ClinGen allele CA7442587.